The following is an entry in ClinVar:

NM_001130009.3(GEN1):c.1940T>C (p.Leu647Ser)

Gene: GEN1 (GEN1 Holliday junction 5' flap endonuclease; plus strand). Cytogenetic location: 2p24.2.
Variant type: single nucleotide variant.
Coding change: c.1940T>C on transcript NM_001130009.3 (MANE Select); coding-DNA position 1940, T replaced by C.
Protein change: p.Leu647Ser; replaces leucine 647 with serine.
Molecular consequence: missense variant.
Genome position (GRCh38, 1-based): chr2:17,781,152, T>C. VCF-style: chr2-17781152-T-C. GRCh37 (hg19) VCF-style: chr2-17962419-T-C.
Other names: c.1940T>C, p.Leu647Ser (NM_182625.5); short protein forms L647S.
Identifiers: ClinVar variation 3853531 (VCV003853531.1).

ClinVar aggregate classification (germline): Uncertain significance (1 of 4 stars; one submission).

gnomAD v4.1: 1 of 1,613,970 alleles (0.000062%); highest among the groups gnomAD compares: East Asian, 0.0022%; no homozygotes.

Submission:

Ambry Genetics
Classification: Uncertain significance. Last evaluated: 2025-01-27. Review status: criteria provided, single submitter. Criteria: Ambry Variant Classification Scheme 2023. Collection method: clinical testing. Allele origin: germline.
Comment: The p.L647S variant (also known as c.1940T>C), located in coding exon 13 of the GEN1 gene, results from a T to C substitution at nucleotide position 1940. The leucine at codon 647 is replaced by serine, an amino acid with dissimilar properties. This amino acid position is conserved. In addition, this alteration is predicted to be tolerated by in silico analysis. Based on the available evidence, the clinical significance of this variant remains unclear.